The following is an entry in ClinVar:

ClinVar aggregate classification (germline): Uncertain significance (1 of 4 stars; one submission).

Conditions:
Cortical dysplasia-focal epilepsy syndrome (PTHSL1). Also called: Pitt-Hopkins-like syndrome 1. Identifiers: Orphanet 163681, Orphanet 221150, MedGen C2750246, MONDO:0012400, OMIM 610042.

Submission:

Labcorp Genetics (formerly Invitae), Labcorp
Classification: Uncertain significance for Cortical dysplasia-focal epilepsy syndrome. Last evaluated: 2022-03-01. Review status: criteria provided, single submitter. Criteria: Invitae Variant Classification Sherloc (09022015). Collection method: clinical testing. Allele origin: germline.
Comment: This sequence change replaces phenylalanine, which is neutral and non-polar, with leucine, which is neutral and non-polar, at codon 1184 of the CNTNAP2 protein (p.Phe1184Leu). This variant is not present in population databases (gnomAD no frequency). This variant has not been reported in the literature in individuals affected with CNTNAP2-related conditions. Algorithms developed to predict the effect of missense changes on protein structure and function are either unavailable or do not agree on the potential impact of this missense change (SIFT: "Deleterious"; PolyPhen-2: "Benign"; Align-GVGD: "Class C0"). In summary, the available evidence is currently insufficient to determine the role of this variant in disease. Therefore, it has been classified as a Variant of Uncertain Significance.

NM_014141.6(CNTNAP2):c.3552C>A (p.Phe1184Leu)

Gene: CNTNAP2 (contactin associated protein 2; plus strand). Cytogenetic location: 7q36.1.
Variant type: single nucleotide variant.
Coding change: c.3552C>A on transcript NM_014141.6 (MANE Select); coding-DNA position 3552, C replaced by A.
Protein change: p.Phe1184Leu; replaces phenylalanine 1184 with leucine.
Molecular consequence: missense variant.
Genome position (GRCh38, 1-based): chr7:148,383,725, C>A. VCF-style: chr7-148383725-C-A. GRCh37 (hg19) VCF-style: chr7-148080817-C-A.
Other names: short protein forms F1184L.
Identifiers: ClinVar variation 2105188 (VCV002105188.4), dbSNP rs1400914792, ClinGen allele CA369704464.